The following is an entry in ClinVar:

ClinVar aggregate classification (germline): Uncertain significance (1 of 4 stars; one submission).

Conditions:
Duchenne muscular dystrophy (DMD). Also called: MUSCULAR DYSTROPHY, PSEUDOHYPERTROPHIC PROGRESSIVE, DUCHENNE TYPE; Duchenne Muscular Dystrophy (DMD). Identifiers: Orphanet 98896, MedGen C0013264, MONDO:0010679, OMIM 310200.

Allele frequency attached by ClinVar (database versions not stated): TOPMed 0.00001.
gnomAD v4.1: 1 of 1,211,925 alleles (0.000083%); no homozygotes.

Submission:

Labcorp Genetics (formerly Invitae), Labcorp
Classification: Uncertain significance for Duchenne muscular dystrophy. Last evaluated: 2024-05-06. Review status: criteria provided, single submitter. Criteria: Invitae Variant Classification Sherloc (09022015). Collection method: clinical testing. Allele origin: germline.
Comment: This sequence change replaces asparagine, which is neutral and polar, with serine, which is neutral and polar, at codon 583 of the DMD protein (p.Asn583Ser). This variant is not present in population databases (gnomAD no frequency). This variant has not been reported in the literature in individuals affected with DMD-related conditions. Advanced modeling of protein sequence and biophysical properties (such as structural, functional, and spatial information, amino acid conservation, physicochemical variation, residue mobility, and thermodynamic stability) performed at Invitae indicates that this missense variant is not expected to disrupt DMD protein function with a negative predictive value of 95%. In summary, the available evidence is currently insufficient to determine the role of this variant in disease. Therefore, it has been classified as a Variant of Uncertain Significance.

NM_004006.3(DMD):c.1748A>G (p.Asn583Ser)

Gene: DMD (dystrophin; minus strand). Cytogenetic location: Xp21.1.
Variant type: single nucleotide variant.
Coding change: c.1748A>G on transcript NM_004006.3 (MANE Select); coding-DNA position 1748, A replaced by G.
Protein change: p.Asn583Ser; replaces asparagine 583 with serine.
Molecular consequence: missense variant.
Genome position (GRCh38, 1-based): chrX:32,573,594, T>C on the plus strand (A>G on the coding strand, the complement: DMD is on the minus strand). VCF-style: chrX-32573594-T-C. GRCh37 (hg19) VCF-style: chrX-32591711-T-C.
Other names: c.1724A>G, p.Asn575Ser (NM_000109.4); c.1736A>G, p.Asn579Ser (NM_004009.3); c.1379A>G, p.Asn460Ser (NM_004010.3); short protein forms N460S, N579S, N583S, N575S.
Identifiers: ClinVar variation 2898322 (VCV002898322.3), dbSNP rs2052675741, ClinGen allele CA412673207.
Genomic context (GRCh38, chrX:32,573,594, plus strand): 5'-AGTTTTTGAAGACTTGATAACATTTCATTTTGATCTTTAAAGCCAGTTGTGTGAATCTTG[T>C]TCACTGCATCTTCTTTTTCTGAAAGCCATGCACTAAAAAGGCACTGCAAGACATTAAAGA-3'
Protein context (NP_003997.2, residues 573-593): AWLSEKEDAV[Asn583Ser]KIHTTGFKDQ